The following is an entry in ClinVar:

NM_001378778.1(MPDZ):c.2073_2074insCTTGAGGTTCAAGCACCTCCCACAAGCCA (p.Ala692fs)

Gene: MPDZ (multiple PDZ domain crumbs cell polarity complex component; minus strand). Cytogenetic location: 9p23.
Variant type: Insertion.
Coding change: c.2073_2074insCTTGAGGTTCAAGCACCTCCCACAAGCCA on transcript NM_001378778.1 (MANE Select); coding-DNA positions 2073 to 2074, CTTGAGGTTCAAGCACCTCCCACAAGCCA inserted.
Protein change: p.Ala692fs; shifts the reading frame from alanine 692.
Molecular consequence: frameshift variant.
Genome position: GRCh38 VCF-style: chr9-13190194-C-CTGGCTTGTGGGAGGTGCTTGAACCTCAAG. GRCh37 (hg19) VCF-style: chr9-13190193-C-CTGGCTTGTGGGAGGTGCTTGAACCTCAAG.
Other names: c.2073_2074insCTTGAGGTTCAAGCACCTCCCACAAGCCA, p.Ala692fs (NM_001261406.2, NM_001261407.2, NM_001330637.2 and 14 more transcripts); short protein forms A692fs.
Identifiers: ClinVar variation 2725386 (VCV002725386.3), dbSNP rs2494188813, ClinGen allele CA2697557659.

ClinVar aggregate classification (germline): Pathogenic (1 of 4 stars; one submission).

Submission:

Labcorp Genetics (formerly Invitae), Labcorp
Classification: Pathogenic. Last evaluated: 2023-11-15. Review status: criteria provided, single submitter. Criteria: Invitae Variant Classification Sherloc (09022015). Collection method: clinical testing. Allele origin: germline.
Comment: This sequence change creates a premature translational stop signal (p.Ala692Leufs*20) in the MPDZ gene. It is expected to result in an absent or disrupted protein product. Loss-of-function variants in MPDZ are known to be pathogenic (PMID: 23240096, 28556411). This variant is not present in population databases (gnomAD no frequency). This variant has not been reported in the literature in individuals affected with MPDZ-related conditions. For these reasons, this variant has been classified as Pathogenic.

Literature cited by the submitters: PubMed 23240096; PubMed 28556411.